The following is an entry in ClinVar:

NM_002454.3(MTRR):c.2073C>T (p.Arg691=)

Gene: MTRR (5-methyltetrahydrofolate-homocysteine methyltransferase reductase; plus strand). Cytogenetic location: 5p15.31.
Variant type: single nucleotide variant.
Coding change: c.2073C>T on transcript NM_002454.3 (MANE Select); coding-DNA position 2073, C replaced by T.
Protein change: p.Arg691=; no amino-acid change (arginine 691 retained).
Molecular consequence: synonymous variant. On other transcripts: non-coding transcript variant (14).
Genome position (GRCh38, 1-based): chr5:7,900,034, C>T. VCF-style: chr5-7900034-C-T. GRCh37 (hg19) VCF-style: chr5-7900147-C-T.
Other names: c.2073C>T, p.Arg691= (NM_001364440.2, NM_001364441.2, NM_001364442.2 and 1 more transcripts).
Identifiers: ClinVar variation 732169 (VCV000732169.13), dbSNP rs768387137, ClinGen allele CA113818458.

ClinVar aggregate classification (germline): Likely benign. Review status: criteria provided, single submitter (1 of 4 stars). 2 submissions from 2 submitters: Likely benign (1). 1 of the submissions does not count toward it. Last evaluated 2025-12-27.

Conditions:
Methylcobalamin deficiency type cblE (HMAE). Also called: HOMOCYSTINURIA-MEGALOBLASTIC ANEMIA, cblE TYPE; HOMOCYSTINURIA-MEGALOBLASTIC ANEMIA, cblE COMPLEMENTATION TYPE; VITAMIN B12-RESPONSIVE HOMOCYSTINURIA, cblE TYPE. Identifiers: Orphanet 2169, Orphanet 622, MedGen C1856057, MONDO:0009354, OMIM 236270.
MTRR-related disorder. Also called: MTRR-related condition.

Allele frequency attached by ClinVar (database versions not stated): gnomAD exomes 0.00001; gnomAD 0.00003 and 0.00004; TOPMed 0.00011.
gnomAD v4.1: 49 of 1,613,642 alleles (0.003%); highest among the groups gnomAD compares: Admixed American, 0.0067%; no homozygotes.

Submissions (2):

Labcorp Genetics (formerly Invitae), Labcorp
Classification: Likely benign for Methylcobalamin deficiency type cblE. Last evaluated: 2025-12-27. Review status: criteria provided, single submitter. Criteria: Invitae Variant Classification Sherloc (09022015). Collection method: clinical testing. Allele origin: germline.

PreventionGenetics, part of Exact Sciences
Classification: Likely benign for MTRR-related condition. Last evaluated: 2019-07-26. Review status: no assertion criteria provided. Collection method: clinical testing. Allele origin: germline. Not counted in ClinVar's aggregate classification.
Comment: This variant is classified as likely benign based on ACMG/AMP sequence variant interpretation guidelines (Richards et al. 2015 PMID: 25741868, with internal and published modifications).